The following is an entry in ClinVar:

ClinVar aggregate classification (germline): Likely benign (1 of 4 stars; one submission).

Allele frequency attached by ClinVar (database versions not stated): gnomAD exomes below 0.00001.
gnomAD v4.1: 1 of 1,612,912 alleles (0.000062%); highest among the groups gnomAD compares: Non-Finnish European, 0.000085%; no homozygotes.

Submission:

CeGaT Center for Human Genetics Tuebingen
Classification: Likely benign. Last evaluated: 2023-03-01. Review status: criteria provided, single submitter. Criteria: CeGaT Center For Human Genetics Tuebingen Variant Classification Criteria Version 2. Collection method: clinical testing. Allele origin: germline. Affected: yes. Observed: 1 variant allele.
Comment: ASPM: BP4

NM_018136.5(ASPM):c.7261T>G (p.Leu2421Val)

Gene: ASPM (assembly factor for spindle microtubules; minus strand). Cytogenetic location: 1q31.3.
Variant type: single nucleotide variant.
Coding change: c.7261T>G on transcript NM_018136.5 (MANE Select); coding-DNA position 7261, T replaced by G.
Protein change: p.Leu2421Val; replaces leucine 2421 with valine.
Molecular consequence: missense variant. On other transcripts: intron variant (1).
Genome position (GRCh38, 1-based): chr1:197,101,990, A>C on the plus strand (T>G on the coding strand, the complement: ASPM is on the minus strand). VCF-style: chr1-197101990-A-C. GRCh37 (hg19) VCF-style: chr1-197071120-A-C.
Other names: c.4066-5826T>G (NM_001206846.2); short protein forms L2421V.
Identifiers: ClinVar variation 2639699 (VCV002639699.24), dbSNP rs1434329547, ClinGen allele CA344019638.